The following is an entry in ClinVar:

NM_001375808.2(LPIN2):c.-9-128_-9-123del

Gene: LPIN2 (lipin 2; minus strand). Cytogenetic location: 18p11.31.
Variant type: Deletion.
Coding change: c.-9-128_-9-123del on transcript NM_001375808.2 (MANE Select); 128 bases into the intron before 9 bases upstream of the start codon through 123 bases into the intron before 9 bases upstream of the start codon, 6 bases deleted (TTAATA; older notation c.-9-128_-9-123delTTAATA).
Molecular consequence: intron variant.
Genome position (GRCh38, 1-based): chr18:2,960,972-2,960,977, TATTAA deleted on the plus strand (TTAATA on the coding strand, the reverse complement: LPIN2 is on the minus strand); deleting any 6 consecutive bases within chr18:2,960,972-2,960,978 gives the same sequence; the c. name uses the placement nearest the transcript's 3' end. VCF-style (leftmost placement, unchanged base first): chr18-2960971-TTATTAA-T. GRCh37 (hg19) VCF-style: chr18-2960969-TTATTAA-T.
Other names: c.-9-128_-9-123del (NM_014646.2, NM_001375809.1); c.-9-128_-9-123delTTAATA (NM_014646.2).
Identifiers: ClinVar variation 676923 (VCV000676923.1), dbSNP rs17881253, ClinGen allele CA295524376.

ClinVar aggregate classification (germline): Benign (1 of 4 stars; one submission).

Submission:

GeneDx
Classification: Benign. Last evaluated: 2018-06-19. Review status: criteria provided, single submitter. Criteria: GeneDx Variant Classification (06012015). Collection method: clinical testing. Allele origin: germline. Affected: yes.
Comment: This variant is considered likely benign or benign based on one or more of the following criteria: it is a conservative change, it occurs at a poorly conserved position in the protein, it is predicted to be benign by multiple in silico algorithms, and/or has population frequency not consistent with disease.